The following is an entry in ClinVar:

NM_001042492.3(NF1):c.847G>C (p.Asp283His)

Gene: NF1 (neurofibromin 1; plus strand). Cytogenetic location: 17q11.2.
Variant type: single nucleotide variant.
Coding change: c.847G>C on transcript NM_001042492.3 (MANE Select); coding-DNA position 847, G replaced by C.
Protein change: p.Asp283His; replaces aspartic acid 283 with histidine.
Molecular consequence: missense variant.
Genome position (GRCh38, 1-based): chr17:31,182,624, G>C. VCF-style: chr17-31182624-G-C. GRCh37 (hg19) VCF-style: chr17-29509642-G-C.
Other names: c.847G>C, p.Asp283His (NM_000267.4, NM_001128147.3); short protein forms D283H.
Identifiers: ClinVar variation 2766243 (VCV002766243.3), dbSNP rs200572531, ClinGen allele CA398991111.
Genomic context (GRCh38, chr17:31,182,624, plus strand): 5'-AAAGCAGCAGTTTGGCCACTACAAATCATTCTCCTTATCTTGTGTCCAGAAATAATCCAG[G>C]ATATATCCAAAGACGTGGTTGATGAAAACAACATGAATAAGGTAAGGAGGGCAAAATTAT-3'
Protein context (NP_001035957.1, residues 273-293): LLILCPEIIQ[Asp283His]ISKDVVDENN

ClinVar aggregate classification (germline): Uncertain significance (1 of 4 stars; one submission).

Conditions:
Neurofibromatosis, type 1 (NF1). Also called: VON RECKLINGHAUSEN DISEASE; Neurofibromatosis, type I; NEUROFIBROMATOSIS, TYPE I, SOMATIC; Peripheral type neurofibromatosis. Identifiers: Orphanet 636, MedGen C0027831, MONDO:0018975, OMIM 162200. Disease mechanism: loss of function.

gnomAD v4.1: 1 of 1,613,766 alleles (0.000062%); highest among the groups gnomAD compares: African/African-American, 0.0013%; no homozygotes.

Submission:

Labcorp Genetics (formerly Invitae), Labcorp
Classification: Uncertain significance for Neurofibromatosis, type 1. Last evaluated: 2024-01-08. Review status: criteria provided, single submitter. Criteria: Invitae Variant Classification Sherloc (09022015). Collection method: clinical testing. Allele origin: germline.
Comment: This sequence change replaces aspartic acid, which is acidic and polar, with histidine, which is basic and polar, at codon 283 of the NF1 protein (p.Asp283His). This variant is present in population databases (no rsID available, gnomAD 0.01%). This variant has not been reported in the literature in individuals affected with NF1-related conditions. Advanced modeling of protein sequence and biophysical properties (such as structural, functional, and spatial information, amino acid conservation, physicochemical variation, residue mobility, and thermodynamic stability) has been performed at Invitae for this missense variant, however the output from this modeling did not meet the statistical confidence thresholds required to predict the impact of this variant on NF1 protein function. In summary, the available evidence is currently insufficient to determine the role of this variant in disease. Therefore, it has been classified as a Variant of Uncertain Significance.